The following is an entry in ClinVar:

NM_000051.4(ATM):c.6698T>C (p.Ile2233Thr)

Genes: ATM (ATM serine/threonine kinase; plus strand), C11orf65 (chromosome 11 open reading frame 65; minus strand). Cytogenetic location: 11q22.3.
Variant type: single nucleotide variant.
Coding change: c.6698T>C on transcript NM_000051.4 (MANE Select); coding-DNA position 6698, T replaced by C.
Protein change: p.Ile2233Thr; replaces isoleucine 2233 with threonine.
Molecular consequence: missense variant. On other transcripts: intron variant (2).
Genome position (GRCh38, 1-based): chr11:108,325,435, T>C. VCF-style: chr11-108325435-T-C. GRCh37 (hg19) VCF-style: chr11-108196162-T-C.
Other names: c.6698T>C, p.Ile2233Thr (NM_001351834.2); c.641-16364A>G (NM_001330368.2); c.*38+9785A>G (NM_001351110.2); short protein forms I2233T.
Identifiers: ClinVar variation 1468763 (VCV001468763.7), dbSNP rs2136313236, ClinGen allele CA382554927.

ClinVar aggregate classification (germline): Uncertain significance (1 of 4 stars; one submission).

Conditions:
Ataxia-telangiectasia syndrome (AT). Also called: LOUIS-BAR SYNDROME; Cerebello-oculocutaneous telangiectasia; Immunodeficiency with ataxia telangiectasia; Ataxia telangiectasia (A-T); Ataxia-telangiectasia, complementation group D; AT, COMPLEMENTATION GROUP C. Identifiers: Orphanet 100, MedGen C0004135, MONDO:0008840, OMIM 208900.

Submission:

Labcorp Genetics (formerly Invitae), Labcorp
Classification: Uncertain significance for Ataxia-telangiectasia syndrome. Last evaluated: 2021-10-24. Review status: criteria provided, single submitter. Criteria: Invitae Variant Classification Sherloc (09022015). Collection method: clinical testing. Allele origin: germline.
Comment: In summary, the available evidence is currently insufficient to determine the role of this variant in disease. Therefore, it has been classified as a Variant of Uncertain Significance. Advanced modeling of protein sequence and biophysical properties (such as structural, functional, and spatial information, amino acid conservation, physicochemical variation, residue mobility, and thermodynamic stability) performed at Invitae indicates that this missense variant is not expected to disrupt ATM protein function. This variant has not been reported in the literature in individuals affected with ATM-related conditions. This variant is not present in population databases (ExAC no frequency). This sequence change replaces isoleucine with threonine at codon 2233 of the ATM protein (p.Ile2233Thr). The isoleucine residue is weakly conserved and there is a moderate physicochemical difference between isoleucine and threonine.